The following is an entry in ClinVar:

ClinVar aggregate classification (germline): Benign/Likely benign. Review status: criteria provided, multiple submitters, no conflicts (2 of 4 stars). 3 submissions from 3 submitters: Benign (1); Likely benign (2). Last evaluated 2025-10-24.

Conditions:
Familial cancer of breast. Also called: Hereditary breast cancer; BREAST CANCER, FAMILIAL; hereditary breast carcinoma. Identifiers: Orphanet 227535, MedGen C0346153, MONDO:0016419, OMIM 114480. Disease mechanism: loss of function.
Fanconi anemia complementation group J. Also called: BRIP1-Related Fanconi Anemia. Identifiers: Orphanet 84, MedGen C1836860, MONDO:0012187, OMIM 609054.
Hereditary cancer-predisposing syndrome. Also called: Tumor predisposition; Hereditary Cancer Syndrome; Neoplastic Syndromes, Hereditary; Hereditary neoplastic syndrome. Identifiers: Orphanet 140162, MedGen C0027672, MeSH D009386, MONDO:0015356.

Submissions (3):

Labcorp Genetics (formerly Invitae), Labcorp
Classification: Likely benign for Familial cancer of breast; Fanconi anemia complementation group J. Last evaluated: 2025-10-24. Review status: criteria provided, single submitter. Criteria: Invitae Variant Classification Sherloc (09022015). Collection method: clinical testing. Allele origin: germline.

Ambry Genetics
Classification: Likely benign for Hereditary cancer-predisposing syndrome. Last evaluated: 2025-02-26. Review status: criteria provided, single submitter. Criteria: Ambry Variant Classification Scheme 2023. Collection method: clinical testing. Allele origin: germline.

Myriad Genetics, Inc.
Classification: Benign for Familial cancer of breast. Last evaluated: 2024-09-04. Review status: criteria provided, single submitter. Criteria: Myriad Autosomal Dominant, Autosomal Recessive and X-Linked Classification Criteria (2023). Collection method: clinical testing. Allele origin: unknown.
Comment: This variant is considered benign. This variant is a silent/synonymous amino acid change and it is not expected to impact splicing.

NM_032043.3(BRIP1):c.2349A>T (p.Gly783=)

Gene: BRIP1 (BRCA1 interacting DNA helicase 1; minus strand). Cytogenetic location: 17q23.2.
Variant type: single nucleotide variant.
Coding change: c.2349A>T on transcript NM_032043.3 (MANE Select); coding-DNA position 2349, A replaced by T.
Protein change: p.Gly783=; no amino-acid change (glycine 783 retained).
Molecular consequence: synonymous variant.
Genome position (GRCh38, 1-based): chr17:61,743,043, T>A on the plus strand (A>T on the coding strand, the complement: BRIP1 is on the minus strand). VCF-style: chr17-61743043-T-A. GRCh37 (hg19) VCF-style: chr17-59820404-T-A.
Identifiers: ClinVar variation 216787 (VCV000216787.14), dbSNP rs863224799, ClinGen allele CA338887.
Genomic context (GRCh38, chr17:61,743,043, plus strand): 5'-ATAATAAAACTTAAGGTTTTGATGGCCTACCTGTAGATCTTTCACATTTGGAAAAGGAAT[T>A]CCTATTGTTATGACAGCACGGGCATTGTCATCTGAGAAATCCAGACCCTCACTCACTTTA-3'
Protein context (NP_114432.2, residues 773-793): DDNARAVITI[Gly783=]IPFPNVKDLQ